The following is an entry in ClinVar:

ClinVar aggregate classification (germline): Pathogenic (1 of 4 stars; one submission).

Submission:

Labcorp Genetics (formerly Invitae), Labcorp
Classification: Pathogenic. Last evaluated: 2023-11-19. Review status: criteria provided, single submitter. Criteria: Invitae Variant Classification Sherloc (09022015). Collection method: clinical testing. Allele origin: germline.
Comment: This sequence change creates a premature translational stop signal (p.Val306Trpfs*16) in the ADAMTS18 gene. It is expected to result in an absent or disrupted protein product. Loss-of-function variants in ADAMTS18 are known to be pathogenic (PMID: 23818446, 24874986). This variant is not present in population databases (gnomAD no frequency). This variant has not been reported in the literature in individuals affected with ADAMTS18-related conditions. ClinVar contains an entry for this variant (Variation ID: 1072777). For these reasons, this variant has been classified as Pathogenic.

Literature cited by the submitters: PubMed 23818446; PubMed 24874986.

NM_199355.4(ADAMTS18):c.916del (p.Val306fs)

Gene: ADAMTS18 (ADAM metallopeptidase with thrombospondin type 1 motif 18; minus strand). Cytogenetic location: 16q23.1.
Variant type: Deletion.
Coding change: c.916del on transcript NM_199355.4 (MANE Select); coding-DNA position 916, one base deleted (G; older notation c.916delG).
Protein change: p.Val306fs; shifts the reading frame from valine 306.
Molecular consequence: frameshift variant.
Genome position (GRCh38, 1-based): chr16:77,364,244, C deleted on the plus strand (G on the coding strand, the reverse complement: ADAMTS18 is on the minus strand); the first of 2 consecutive C bases (chr16:77,364,244-77,364,245); deleting either gives the same sequence. VCF-style (leftmost placement, unchanged base first): chr16-77364243-AC-A. GRCh37 (hg19) VCF-style: chr16-77398140-AC-A.
Other names: c.400del, p.Val134fs (NM_001326358.2); short protein forms V134fs, V306fs.
Identifiers: ClinVar variation 1072777 (VCV001072777.7), dbSNP rs868732406, ClinGen allele CA284437823.
Genomic context (GRCh38, chr16:77,364,243, plus strand): 5'-CTTACCATGTTCATTACTGTGAGAATGTATGTGGTGACATTTCCCTTGCCATGCTTTTCC[AC>A]CATTTTCTTGTCTGCCACCACGAGGGTTTCCACATTGAGGCCCTTTTGTGATTTTCCAGC-3'